The following is an entry in ClinVar:

NM_000059.4(BRCA2):c.7252A>G (p.Arg2418Gly)

Gene: BRCA2 (BRCA2 DNA repair associated; plus strand). Cytogenetic location: 13q13.1.
Variant type: single nucleotide variant.
Coding change: c.7252A>G on transcript NM_000059.4 (MANE Select); coding-DNA position 7252, A replaced by G.
Protein change: p.Arg2418Gly; replaces arginine 2418 with glycine.
Molecular consequence: missense variant.
Genome position (GRCh38, 1-based): chr13:32,355,105, A>G. VCF-style: chr13-32355105-A-G. GRCh37 (hg19) VCF-style: chr13-32929242-A-G.
Other names: short protein forms R2418G.
Identifiers: ClinVar variation 52299 (VCV000052299.28), dbSNP rs80358953, ClinGen allele CA024996.

ClinVar aggregate classification (germline): Conflicting classifications of pathogenicity. Review status: criteria provided, conflicting classifications (1 of 4 stars). 9 submissions from 9 submitters: Uncertain significance (4); Likely benign (3). 2 of the submissions do not count toward it. Last evaluated 2025-10-14.

Conditions:
Hereditary cancer-predisposing syndrome. Also called: Neoplastic Syndromes, Hereditary; Tumor predisposition; Hereditary neoplastic syndrome; Hereditary Cancer Syndrome. Identifiers: Orphanet 140162, MedGen C0027672, MeSH D009386, MONDO:0015356.
Hereditary breast ovarian cancer syndrome. Also called: Hereditary breast and ovarian cancer syndrome; Hereditary breast and ovarian cancer; Hereditary breast and ovarian cancer syndrome (HBOC); Breast and ovarian cancer; Hereditary breast and/or ovarian cancer syndrome; BRCA1- and BRCA2-Associated Hereditary Breast and Ovarian Cancer. Identifiers: Orphanet 145, MedGen C0677776, MeSH D061325, MONDO:0003582. Disease mechanism: loss of function.
Breast-ovarian cancer, familial, susceptibility to, 2 (BROVCA2). Also called: BRCA2 Hereditary Breast and Ovarian Cancer. Identifiers: Orphanet 145, MedGen C2675520, MONDO:0012933, OMIM 612555. Disease mechanism: loss of function.

Allele frequency attached by ClinVar (database versions not stated): gnomAD exomes below 0.00001; TOPMed below 0.00001.
gnomAD v4.1: 3 of 1,613,684 alleles (0.00019%); highest among the groups gnomAD compares: Non-Finnish European, 0.00017%; no homozygotes.

Submissions (9):

Color Diagnostics, LLC DBA Color Health
Classification: Uncertain significance for Hereditary cancer-predisposing syndrome. Last evaluated: 2025-10-14. Review status: criteria provided, single submitter. Criteria: ACMG Guidelines, 2015. Collection method: clinical testing. Allele origin: germline.
Comment: This missense variant replaces arginine with glycine at codon 2418 of the BRCA2 protein. Computational prediction suggests that this variant may not impact protein structure and function. A functional study reported that this variant has an intermediate impact on BRCA2 in sensitivity assays to PARP inhibitors (PMID: 32444794). This variant has been reported in an individual affected with breast cancer (PMID: 18824701) and a multifactorial analysis has reported a likelihood ratio based on tumor pathology of 0.89 (PMID: 31131967). This variant has been identified in 3/1461314 chromosomes in the general population by the Genome Aggregation Database (gnomAD). The available evidence is insufficient to determine the role of this variant in disease conclusively. Therefore, this variant is classified as a Variant of Uncertain Significance.

Labcorp Genetics (formerly Invitae), Labcorp
Classification: Likely benign for Hereditary breast ovarian cancer syndrome. Last evaluated: 2025-09-22. Review status: criteria provided, single submitter. Criteria: Invitae Variant Classification Sherloc (09022015). Collection method: clinical testing. Allele origin: germline.

Quest Diagnostics Nichols Institute San Juan Capistrano
Classification: Uncertain significance. Last evaluated: 2024-10-26. Review status: criteria provided, single submitter. Criteria: Quest Diagnostics criteria. Collection method: clinical testing. Allele origin: unknown.
Comment: The BRCA2 c.7252A>G (p.Arg2418Gly) variant has been reported in the published literature in one individual with an unspecified solid tumor (PMID: 38795236 (2024)). This variant has not been reported in large, multi-ethnic general populations (Genome Aggregation Database). Analysis of this variant using bioinformatics tools for the prediction of the effect of amino acid changes on protein structure and function yielded predictions that this variant is benign. Based on the available information, we are unable to determine the clinical significance of this variant.

All of Us Research Program, National Institutes of Health
Classification: Uncertain significance for Breast-ovarian cancer, familial, susceptibility to, 2. Last evaluated: 2023-11-02. Review status: criteria provided, single submitter. Criteria: ACMG Guidelines, 2015. Collection method: clinical testing. Allele origin: germline. Inheritance: Autosomal dominant inheritance. Observed: 1 variant allele, 1 heterozygote.
Comment: This missense variant replaces arginine with glycine at codon 2418 of the BRCA2 protein. Computational prediction is inconclusive regarding the impact of this variant on protein structure and function (internally defined REVEL score threshold 0.5 < inconclusive < 0.7, PMID: 27666373). A functional study has shown that this variant protein moderately increases the sensitivity to PARP inhibitors in mammalian cells compared to the wild-type protein (PMID: 32444794). This variant has been reported in at least one individual affected with breast cancer (PMID: 18824701). This variant has not been identified in the general population by the Genome Aggregation Database (gnomAD). The available evidence is insufficient to determine the role of this variant in disease conclusively. Therefore, this variant is classified as a Variant of Uncertain Significance.

This study involves interpretation of variants in research participants for the purpose of population health screening. Participant phenotype was not available at the time of variant classification. Additional details can be found in publication PMID: 35346344, PMCID: PMC8962531

Ambry Genetics
Classification: Likely benign for Hereditary cancer-predisposing syndrome. Last evaluated: 2019-01-31. Review status: criteria provided, single submitter. Criteria: Ambry Variant Classification Scheme 2023. Collection method: clinical testing. Allele origin: germline.

Women's Health and Genetics/Laboratory Corporation of America, LabCorp
Classification: Uncertain significance. Last evaluated: 2016-12-05. Review status: criteria provided, single submitter. Criteria: LabCorp Variant Classification Summary - May 2015. Collection method: clinical testing. Allele origin: germline.
Comment: Variant summary: The BRCA2 c.7252A>G (p.Arg2418Gly) variant involves the alteration of a non-conserved nucleotide. 3/5 in silico tools predict a benign outcome for this variant. This variant is absent in 121330 control chromosomes. The variant has been reported in publications, without strong evidence for causality, and was considered likely benign using a multifactorial based model (Lindor_2012). In addition, multiple clinical diagnostic laboratories/reputable databases classified this variant as likely benign, without evidence to independently evaluate. Taken together, this variant is classified as VUS.

GeneDx
Classification: Likely benign. Last evaluated: 2016-05-12. Review status: criteria provided, single submitter. Criteria: GeneDx Variant Classification (06012015). Collection method: clinical testing. Allele origin: germline. Affected: yes.
Comment: This variant is considered likely benign or benign based on one or more of the following criteria: it is a conservative change, it occurs at a poorly conserved position in the protein, it is predicted to be benign by multiple in silico algorithms, and/or has population frequency not consistent with disease.

Counsyl
Classification: Likely benign for Breast-ovarian cancer, familial, susceptibility to, 2. Last evaluated: 2015-11-18. Review status: no assertion criteria provided. Collection method: clinical testing. Allele origin: unknown. Not counted in ClinVar's aggregate classification.

Breast Cancer Information Core (BIC) (BRCA2)
Classification: Uncertain significance for Breast-ovarian cancer, familial 2. Last evaluated: 2003-12-23. Review status: no assertion criteria provided. Collection method: clinical testing. Allele origin: germline. Affected: yes. Observed: 1 variant allele. Not counted in ClinVar's aggregate classification.

Literature cited by the submitters: PubMed 18824701 (cited by 5 submitters); PubMed 31131967 (cited by Color Diagnostics, LLC DBA Color Health and Quest Diagnostics Nichols Institute San Juan Capistrano); PubMed 32444794 (cited by 3 submitters); PubMed 38795236 (cited by Quest Diagnostics Nichols Institute San Juan Capistrano); PubMed 31911673 (cited by Quest Diagnostics Nichols Institute San Juan Capistrano); PubMed 21990165 (cited by 3 submitters); PubMed 21990134 (cited by 4 submitters).